The following is an entry in ClinVar:

NM_212482.4(FN1):c.2844C>T (p.Gly948=)

Gene: FN1 (fibronectin 1; minus strand). Cytogenetic location: 2q35.
Variant type: single nucleotide variant.
Coding change: c.2844C>T on transcript NM_212482.4 (MANE Select); coding-DNA position 2844, C replaced by T.
Protein change: p.Gly948=; no amino-acid change (glycine 948 retained).
Molecular consequence: synonymous variant.
Genome position (GRCh38, 1-based): chr2:215,406,380, G>A on the plus strand (C>T on the coding strand, the complement: FN1 is on the minus strand). VCF-style: chr2-215406380-G-A. GRCh37 (hg19) VCF-style: chr2-216271103-G-A.
Other names: c.2844C>T, p.Gly948= (NM_001306129.2, NM_001306130.2, NM_001306131.2 and 13 more transcripts).
Identifiers: ClinVar variation 2016971 (VCV002016971.4), dbSNP rs777668406, ClinGen allele CA431158342.

ClinVar aggregate classification (germline): Uncertain significance (1 of 4 stars; one submission).

gnomAD v4.1: 2 of 1,614,174 alleles (0.00012%); highest among the groups gnomAD compares: South Asian, 0.0011%; no homozygotes.

Submission:

Labcorp Genetics (formerly Invitae), Labcorp
Classification: Uncertain significance. Last evaluated: 2025-03-17. Review status: criteria provided, single submitter. Criteria: Invitae Variant Classification Sherloc (09022015). Collection method: clinical testing. Allele origin: germline.
Comment: This sequence change affects codon 948 of the FN1 mRNA. It is a 'silent' change, meaning that it does not change the encoded amino acid sequence of the FN1 protein. This variant is not present in population databases (gnomAD no frequency). This variant has not been reported in the literature in individuals affected with FN1-related conditions. ClinVar contains an entry for this variant (Variation ID: 2016971). Algorithms developed to predict the effect of sequence changes on RNA splicing suggest that this variant may disrupt the consensus splice site. In summary, the available evidence is currently insufficient to determine the role of this variant in disease. Therefore, it has been classified as a Variant of Uncertain Significance.